The following is an entry in ClinVar:

ClinVar aggregate classification (germline): Uncertain significance (0 of 4 stars; one submission).

Conditions:
TSC1-related disorder. Also called: TSC1-related condition.

Submission:

PreventionGenetics, part of Exact Sciences
Classification: Uncertain significance for TSC1-related condition. Last evaluated: 2024-05-28. Review status: no assertion criteria provided. Collection method: clinical testing. Allele origin: germline.
Comment: The TSC1 c.1485G>C variant is predicted to result in the amino acid substitution p.Glu495Asp. To our knowledge, this variant has not been reported in the literature or in a large population database, indicating this variant is rare. At this time, the clinical significance of this variant is uncertain due to the absence of conclusive functional and genetic evidence.

NM_000368.5(TSC1):c.1485G>C (p.Glu495Asp)

Gene: TSC1 (TSC complex subunit 1; minus strand). Cytogenetic location: 9q34.13.
Variant type: single nucleotide variant.
Coding change: c.1485G>C on transcript NM_000368.5 (MANE Select); coding-DNA position 1485, G replaced by C.
Protein change: p.Glu495Asp; replaces glutamic acid 495 with aspartic acid.
Molecular consequence: missense variant. On other transcripts: non-coding transcript variant (5).
Genome position (GRCh38, 1-based): chr9:132,906,093, C>G on the plus strand (G>C on the coding strand, the complement: TSC1 is on the minus strand). VCF-style: chr9-132906093-C-G. GRCh37 (hg19) VCF-style: chr9-135781480-C-G.
Other names: c.1482G>C, p.Glu494Asp (NM_001162426.2, NM_001406597.1, NM_001406598.1 and 6 more transcripts); c.1332G>C, p.Glu444Asp (NM_001162427.2, NM_001406610.1); c.1122G>C, p.Glu374Asp (NM_001362177.2, NM_001406614.1, NM_001406615.1 and 5 more transcripts); c.1485G>C, p.Glu495Asp (NM_001406592.1, NM_001406593.1, NM_001406594.1 and 7 more transcripts); c.1329G>C, p.Glu443Asp (NM_001406611.1, NM_001406612.1, NM_001406613.1); c.1119G>C, p.Glu373Asp (NM_001406620.1, NM_001406621.1, NM_001406622.1 and 2 more transcripts); c.534G>C, p.Glu178Asp (NM_001406626.1); c.531G>C, p.Glu177Asp (NM_001406627.1, NM_001406628.1); and 1 more; short protein forms E144D, E177D, E178D, E373D, E374D, E443D, E444D, E494D.
Identifiers: ClinVar variation 3347195 (VCV003347195.1).